The following is an entry in ClinVar:

ClinVar aggregate classification (germline): Uncertain significance. Review status: criteria provided, multiple submitters, no conflicts (2 of 4 stars). 2 submissions from 2 submitters: Uncertain significance (2). Last evaluated 2026-09-08.

Conditions:
Inborn genetic diseases. Identifiers: MedGen C0950123, MeSH D030342.

gnomAD v4.1: 1 of 1,614,148 alleles (0.000062%); highest among the groups gnomAD compares: South Asian, 0.0011%; no homozygotes.

Submissions (2):

Ambry Genetics
Classification: Uncertain significance for Inborn genetic diseases. Last evaluated: 2026-09-08. Review status: criteria provided, single submitter. Criteria: Ambry Variant Classification Scheme 2023. Collection method: clinical testing. Allele origin: germline.
Comment: The p.H195P variant (also known as c.584A>C), located in coding exon 1 of the SAMD9 gene, results from an A to C substitution at nucleotide position 584. The histidine at codon 195 is replaced by proline, an amino acid with similar properties. This amino acid position is conserved. In addition, the in silico prediction for this alteration is inconclusive. Based on the available evidence, the clinical significance of this variant remains unclear.

Labcorp Genetics (formerly Invitae), Labcorp
Classification: Uncertain significance. Last evaluated: 2024-07-17. Review status: criteria provided, single submitter. Criteria: Invitae Variant Classification Sherloc (09022015). Collection method: clinical testing. Allele origin: germline.
Comment: This sequence change replaces histidine, which is basic and polar, with proline, which is neutral and non-polar, at codon 195 of the SAMD9 protein (p.His195Pro). This variant is not present in population databases (gnomAD no frequency). This variant has not been reported in the literature in individuals affected with SAMD9-related conditions. Advanced modeling of protein sequence and biophysical properties (such as structural, functional, and spatial information, amino acid conservation, physicochemical variation, residue mobility, and thermodynamic stability) has been performed at Invitae for this missense variant, however the output from this modeling did not meet the statistical confidence thresholds required to predict the impact of this variant on SAMD9 protein function. In summary, the available evidence is currently insufficient to determine the role of this variant in disease. Therefore, it has been classified as a Variant of Uncertain Significance.

NM_017654.4(SAMD9):c.584A>C (p.His195Pro)

Gene: SAMD9 (sterile alpha motif domain containing 9; minus strand). Cytogenetic location: 7q21.2.
Variant type: single nucleotide variant.
Coding change: c.584A>C on transcript NM_017654.4 (MANE Select); coding-DNA position 584, A replaced by C.
Protein change: p.His195Pro; replaces histidine 195 with proline.
Molecular consequence: missense variant.
Genome position (GRCh38, 1-based): chr7:93,105,514, T>G on the plus strand (A>C on the coding strand, the complement: SAMD9 is on the minus strand). VCF-style: chr7-93105514-T-G. GRCh37 (hg19) VCF-style: chr7-92734827-T-G.
Other names: c.584A>C, p.His195Pro (NM_001193307.2); c.584A>C (NM_017654.3); short protein forms H195P.
Identifiers: ClinVar variation 3629252 (VCV003629252.3).